The following is an entry in ClinVar:

NM_032119.4(ADGRV1):c.8746C>T (p.Leu2916=)

Gene: ADGRV1 (adhesion G protein-coupled receptor V1; plus strand). Cytogenetic location: 5q14.3.
Variant type: single nucleotide variant.
Coding change: c.8746C>T on transcript NM_032119.4 (MANE Select); coding-DNA position 8746, C replaced by T.
Protein change: p.Leu2916=; no amino-acid change (leucine 2916 retained).
Molecular consequence: synonymous variant. On other transcripts: non-coding transcript variant (1).
Genome position (GRCh38, 1-based): chr5:90,708,831, C>T. VCF-style: chr5-90708831-C-T. GRCh37 (hg19) VCF-style: chr5-90004648-C-T.
Other names: c.8746C>T (NM_032119.3).
Identifiers: ClinVar variation 1664700 (VCV001664700.9), dbSNP rs372007534, ClinGen allele CA3340344.

ClinVar aggregate classification (germline): Conflicting classifications of pathogenicity. Review status: criteria provided, conflicting classifications (1 of 4 stars). 2 submissions from 2 submitters: Uncertain significance (1); Likely benign (1). Last evaluated 2025-09-06.

Allele frequency attached by ClinVar (database versions not stated): gnomAD exomes below 0.00001 and 0.00001; ExAC 0.00001; ESP Exome Variant Server 0.00008.
gnomAD v4.1: 12 of 1,608,966 alleles (0.00075%); highest among the groups gnomAD compares: South Asian, 0.0011%; no homozygotes.

Submissions (2):

Labcorp Genetics (formerly Invitae), Labcorp
Classification: Likely benign. Last evaluated: 2025-09-06. Review status: criteria provided, single submitter. Criteria: Invitae Variant Classification Sherloc (09022015). Collection method: clinical testing. Allele origin: germline.

GeneDx
Classification: Uncertain significance. Last evaluated: 2024-12-12. Review status: criteria provided, single submitter. Criteria: GeneDx Variant Classification Process June 2021. Collection method: clinical testing. Allele origin: germline. Affected: yes.
Comment: Not observed at significant frequency in large population cohorts (gnomAD); In silico analysis indicates that this variant does not alter splicing; Has not been previously published as pathogenic or benign to our knowledge